The following is an entry in ClinVar:

NM_000051.4(ATM):c.7420T>C (p.Leu2474=)

Genes: ATM (ATM serine/threonine kinase; plus strand), C11orf65 (chromosome 11 open reading frame 65; minus strand). Cytogenetic location: 11q22.3.
Variant type: single nucleotide variant.
Coding change: c.7420T>C on transcript NM_000051.4 (MANE Select); coding-DNA position 7420, T replaced by C.
Protein change: p.Leu2474=; no amino-acid change (leucine 2474 retained).
Molecular consequence: synonymous variant. On other transcripts: intron variant (2).
Genome position (GRCh38, 1-based): chr11:108,330,326, T>C. VCF-style: chr11-108330326-T-C. GRCh37 (hg19) VCF-style: chr11-108201053-T-C.
Other names: c.7420T>C, p.Leu2474= (NM_001351834.2); c.641-21255A>G (NM_001330368.2); c.*38+4894A>G (NM_001351110.2).
Identifiers: ClinVar variation 453682 (VCV000453682.12), dbSNP rs1555123149, ClinGen allele CA476676922.

ClinVar aggregate classification (germline): Benign/Likely benign. Review status: criteria provided, multiple submitters, no conflicts (2 of 4 stars). 3 submissions from 3 submitters: Benign (1); Likely benign (2). Last evaluated 2026-08-07.

Conditions:
Hereditary cancer-predisposing syndrome. Also called: Neoplastic Syndromes, Hereditary; Hereditary Cancer Syndrome; Tumor predisposition; Hereditary neoplastic syndrome. Identifiers: Orphanet 140162, MedGen C0027672, MeSH D009386, MONDO:0015356.
Familial cancer of breast. Also called: Hereditary breast cancer; BREAST CANCER, FAMILIAL; hereditary breast carcinoma. Identifiers: Orphanet 227535, MedGen C0346153, MONDO:0016419, OMIM 114480. Disease mechanism: loss of function.
Ataxia-telangiectasia syndrome (AT). Also called: LOUIS-BAR SYNDROME; Cerebello-oculocutaneous telangiectasia; Immunodeficiency with ataxia telangiectasia; Ataxia-telangiectasia, complementation group D; AT, COMPLEMENTATION GROUP C; Ataxia-telangiectasia, complementation group E. Identifiers: Orphanet 100, MedGen C0004135, MONDO:0008840, OMIM 208900.

Submissions (3):

Ambry Genetics
Classification: Likely benign for Hereditary cancer-predisposing syndrome. Last evaluated: 2026-08-07. Review status: criteria provided, single submitter. Criteria: Ambry Variant Classification Scheme 2023. Collection method: clinical testing. Allele origin: germline.

Myriad Genetics, Inc.
Classification: Benign for Familial cancer of breast. Last evaluated: 2024-06-14. Review status: criteria provided, single submitter. Criteria: Myriad Autosomal Dominant, Autosomal Recessive and X-Linked Classification Criteria (2023). Collection method: clinical testing. Allele origin: unknown.
Comment: This variant is considered benign. This variant is a silent/synonymous amino acid change and it is not expected to impact splicing.

Labcorp Genetics (formerly Invitae), Labcorp
Classification: Likely benign for Ataxia-telangiectasia syndrome. Last evaluated: 2023-12-21. Review status: criteria provided, single submitter. Criteria: Invitae Variant Classification Sherloc (09022015). Collection method: clinical testing. Allele origin: germline.